The following is an entry in ClinVar:

NM_001303256.3(MORC2):c.831C>G (p.Tyr277Ter)

Gene: MORC2 (MORC family CW-type zinc finger 2; minus strand). Cytogenetic location: 22q12.2.
Variant type: single nucleotide variant.
Coding change: c.831C>G on transcript NM_001303256.3 (MANE Select); coding-DNA position 831, C replaced by G.
Protein change: p.Tyr277Ter; replaces tyrosine 277 with a stop codon.
Molecular consequence: nonsense.
Genome position (GRCh38, 1-based): chr22:30,940,831, G>C on the plus strand (C>G on the coding strand, the complement: MORC2 is on the minus strand). VCF-style: chr22-30940831-G-C. GRCh37 (hg19) VCF-style: chr22-31336818-G-C.
Other names: c.831C>G, p.Tyr277Ter (NM_001303257.2); c.645C>G, p.Tyr215Ter (NM_014941.3); short protein forms Y215*, Y277*.
Identifiers: ClinVar variation 3651494 (VCV003651494.2).

ClinVar aggregate classification (germline): Uncertain significance (1 of 4 stars; one submission).

Conditions:
Charcot-Marie-Tooth disease axonal type 2Z. Also called: CHARCOT-MARIE-TOOTH DISEASE, AXONAL, AUTOSOMAL DOMINANT, TYPE 2Z; CHARCOT-MARIE-TOOTH NEUROPATHY, TYPE 2Z. Identifiers: Orphanet 466768, MedGen C5569025, MONDO:0014736, OMIM 616688.

Submission:

Labcorp Genetics (formerly Invitae), Labcorp
Classification: Uncertain significance for Charcot-Marie-Tooth disease axonal type 2Z. Last evaluated: 2024-04-29. Review status: criteria provided, single submitter. Criteria: Invitae Variant Classification Sherloc (09022015). Collection method: clinical testing. Allele origin: germline.
Comment: This sequence change creates a premature translational stop signal (p.Tyr277*) in the MORC2 gene. It is expected to result in an absent or disrupted protein product. However, the current clinical and genetic evidence is not sufficient to establish whether loss-of-function variants in MORC2 cause disease. This variant is not present in population databases (gnomAD no frequency). This variant has not been reported in the literature in individuals affected with MORC2-related conditions. In summary, the available evidence is currently insufficient to determine the role of this variant in disease. Therefore, it has been classified as a Variant of Uncertain Significance.